The following is an entry in ClinVar:

NC_000005.9:g.(?_176812743)_(176824075_?)del

Gene: SLC34A1 (solute carrier family 34 member 1; plus strand). Cytogenetic location: 5q35.3.
Variant type: Deletion.
Identifiers: ClinVar variation 1068601 (VCV001068601.2).

ClinVar aggregate classification (germline): Pathogenic (1 of 4 stars; one submission).

Submission:

Labcorp Genetics (formerly Invitae), Labcorp
Classification: Pathogenic. Last evaluated: 2017-10-05. Review status: criteria provided, single submitter. Criteria: Invitae Variant Classification Sherloc (09022015). Collection method: clinical testing. Allele origin: germline.
Comment: This variant is a gross deletion of the genomic region encompassing exons exons 2-12 of the SLC34A1 gene, which includes the initiator codon. The 5' end of this event is unknown as it extends beyond the assayed region for this gene and therefore may encompass additional genes. The 3' boundary is likely confined to intron 12 of the SLC34A1 gene. This is expected to result in an absent or disrupted protein product. This variant has not been reported in the literature in individuals with SLC34A1-related disease. Loss-of-function variants in SLC34A1 are known to be pathogenic (PMID: 26047794). For these reasons, this variant has been classified as Pathogenic.

Literature cited by the submitters: PubMed 26047794.